The following is an entry in ClinVar:

ClinVar aggregate classification (germline): Pathogenic. Review status: criteria provided, multiple submitters, no conflicts (2 of 4 stars). 7 submissions from 7 submitters: Pathogenic (6). 1 of the submissions does not count toward it. Last evaluated 2026-09-15.

Conditions:
FIG4-related disorder. Also called: FIG4-related disorders; FIG4-related condition.
Inborn genetic diseases. Identifiers: MedGen C0950123, MeSH D030342.
Charcot-Marie-Tooth disease type 4. Also called: Charcot-Marie-Tooth, Type 4; Charcot-Marie-Tooth disease, type IV. Identifiers: Orphanet 64749, MedGen C4082197, MONDO:0018995.
Charcot-Marie-Tooth disease type 4J (CMT4J). Also called: Charcot-Marie-Tooth Neuropathy Type 4J; CHARCOT-MARIE-TOOTH DISEASE, AUTOSOMAL RECESSIVE, TYPE 4J; CHARCOT-MARIE-TOOTH DISEASE, DEMYELINATING, TYPE 4J. Identifiers: Orphanet 139515, MedGen C1970011, MONDO:0012640, OMIM 611228.

Allele frequency attached by ClinVar (database versions not stated): gnomAD exomes 0.00001 and 0.00007; ExAC 0.00002; gnomAD 0.00003; TOPMed 0.00004.
gnomAD v4.1: 98 of 1,509,490 alleles (0.0065%); highest among the groups gnomAD compares: Non-Finnish European, 0.0087%; no homozygotes.

Submissions (7):

PreventionGenetics, part of Exact Sciences
Classification: Pathogenic for FIG4-related condition. Last evaluated: 2026-09-15. Review status: criteria provided, single submitter. Criteria: ACMG Guidelines, 2015. Collection method: clinical testing. Allele origin: germline.
Comment: The FIG4 c.2459+1G>A variant is predicted to disrupt the GT donor site and interfere with normal splicing. This variant was reported in a large cohort of individuals with suspected Charcot-Marie-Tooth (CMT) disease (Supplementary Table 5, DiVincenzo et al. 2014. PubMed ID: 25614874) and was identified in the homozygous or compound heterozygous state in individuals with cerebral hypomyelination or parkinsonism (Lenk et al. 2019. PubMed ID: 30740813; Zimmermann et al. 2020. PubMed ID: 32268254). The functional analysis showed this variant results in a read-through transcript and a truncated protein with retention of partial function (Lenk et al. 2019. PubMed ID: 30740813). This variant is reported in 0.0040% of alleles in individuals of African descent in gnomAD. This variant is interpreted as pathogenic for autosomal recessive CMT disease.

CeGaT Center for Human Genetics Tuebingen
Classification: Pathogenic. Last evaluated: 2025-08-01. Review status: criteria provided, single submitter. Criteria: CeGaT Center For Human Genetics Tuebingen Variant Classification Criteria Version 2. Collection method: clinical testing. Allele origin: germline. Affected: yes. Observed: 1 variant allele.
Comment: FIG4: PM3:Very Strong, PM2, PVS1:Moderate

Labcorp Genetics (formerly Invitae), Labcorp
Classification: Pathogenic for Charcot-Marie-Tooth disease type 4. Last evaluated: 2025-06-02. Review status: criteria provided, single submitter. Criteria: Invitae Variant Classification Sherloc (09022015). Collection method: clinical testing. Allele origin: germline.
Comment: This sequence change affects a donor splice site in intron 21 of the FIG4 gene. It is expected to disrupt RNA splicing. Variants that disrupt the donor or acceptor splice site typically lead to a loss of protein function (PMID: 16199547), and loss-of-function variants in FIG4 are known to be pathogenic (PMID: 23623387, 30740813). This variant is present in population databases (rs747768373, gnomAD 0.004%). Disruption of this splice site has been observed in individual(s) with clinical features of FIG4-related conditions (PMID: 30740813). In at least one individual the data is consistent with being in trans (on the opposite chromosome) from a pathogenic variant. It has also been observed to segregate with disease in related individuals. ClinVar contains an entry for this variant (Variation ID: 246120). Studies have shown that this variant results in read‐through from exon 20 into intron 20, which introduces a new termination codon (PMID: 30740813). However the mRNA is not expected to undergo nonsense-mediated decay. For these reasons, this variant has been classified as Pathogenic.

GeneDx
Classification: Pathogenic. Last evaluated: 2023-06-08. Review status: criteria provided, single submitter. Criteria: GeneDx Variant Classification Process June 2021. Collection method: clinical testing. Allele origin: germline. Affected: yes.
Comment: Canonical splice site variant predicted to result in a null allele in a gene for which loss of function is a known mechanism of disease; Not observed at a significant frequency in large population cohorts (gnomAD); This variant is associated with the following publications: (PMID: 25614874, 25617005, 24598713, 31589614, 35803560, 32268254, 30740813)

Ambry Genetics
Classification: Pathogenic for Inborn genetic diseases. Last evaluated: 2022-03-28. Review status: criteria provided, single submitter. Criteria: Ambry Variant Classification Scheme 2023. Collection method: clinical testing. Allele origin: germline.
Comment: The c.2459+1G>A intronic pathogenic mutation results from a G to A substitution one nucleotide after coding exon 21 of the FIG4 gene This alteration has been detected in the homozygous state and in the compound heterozygous state with other FIG4 alterations in sibling pairs as well as unrelated individuals with Charcot Marie Tooth disease type 4J (CMT4J) (Lenk GM et al. Hum Mutat, 2019 05;40:619-630; Zimmermann M et al. Parkinsonism Relat Disord, 2020 05;74:6-11). This variant is considered to be rare based on population cohorts in the Genome Aggregation Database (gnomAD). In silico splice site analysis predicts that this alteration will weaken the native splice donor site. In addition to the clinical data presented in the literature, alterations that disrupt the canonical splice site are expected to cause aberrant splicing, resulting in an abnormal protein or a transcript that is subject to nonsense-mediated mRNA decay. As such, this alteration is classified as a disease-causing mutation.

Bruce Lefroy Centre, Murdoch Childrens Research Institute
Classification: Pathogenic for Charcot-Marie-Tooth disease type 4J. Review status: criteria provided, single submitter. Criteria: ACMG Guidelines, 2015. Collection method: research. Allele origin: biparental. Inheritance: Autosomal recessive inheritance. Affected: yes. Observed: 1 variant allele.

Inherited Neuropathy Consortium Ii, University Of Miami
Classification: Uncertain significance for Charcot-Marie-Tooth disease type 4J. Last evaluated: 2016-01-06. Review status: no assertion criteria provided. Collection method: literature only. Allele origin: germline. Affected: yes. Not counted in ClinVar's aggregate classification.

Literature cited by the submitters: PubMed 16199547 (cited by Labcorp Genetics (formerly Invitae), Labcorp); PubMed 23623387 (cited by Labcorp Genetics (formerly Invitae), Labcorp); PubMed 30740813 (cited by Labcorp Genetics (formerly Invitae), Labcorp and Ambry Genetics); PubMed 32268254 (cited by Ambry Genetics); PubMed 25614874 (cited by Inherited Neuropathy Consortium Ii, University Of Miami).

NM_014845.6(FIG4):c.2459+1G>A

Gene: FIG4 (FIG4 phosphoinositide 5-phosphatase; plus strand). Cytogenetic location: 6q21.
Variant type: single nucleotide variant.
Coding change: c.2459+1G>A on transcript NM_014845.6 (MANE Select); the canonical splice donor site of the intron after coding-DNA position 2459, G replaced by A.
Molecular consequence: splice donor variant.
Genome position (GRCh38, 1-based): chr6:109,792,665, G>A. VCF-style: chr6-109792665-G-A. GRCh37 (hg19) VCF-style: chr6-110113868-G-A.
Identifiers: ClinVar variation 246120 (VCV000246120.27), dbSNP rs747768373, ClinGen allele CA3956399.